The following is an entry in ClinVar:

ClinVar aggregate classification (germline): Uncertain significance. Review status: criteria provided, multiple submitters, no conflicts (2 of 4 stars). 2 submissions from 2 submitters: Uncertain significance (2). Last evaluated 2025-05-13.

Conditions:
Inborn genetic diseases. Identifiers: MedGen C0950123, MeSH D030342.

Allele frequency attached by ClinVar (database versions not stated): 1000 Genomes Project 0.00020; ESP Exome Variant Server 0.00008; 1000 Genomes Project 30x 0.00016.
gnomAD v4.1: 36 of 1,613,986 alleles (0.0022%); highest among the groups gnomAD compares: East Asian, 0.029%; no homozygotes.

Submissions (2):

Labcorp Genetics (formerly Invitae), Labcorp
Classification: Uncertain significance. Last evaluated: 2025-05-13. Review status: criteria provided, single submitter. Criteria: Invitae Variant Classification Sherloc (09022015). Collection method: clinical testing. Allele origin: germline.
Comment: This sequence change replaces alanine, which is neutral and non-polar, with threonine, which is neutral and polar, at codon 178 of the FLI1 protein (p.Ala178Thr). This variant is present in population databases (rs372454174, gnomAD 0.06%), and has an allele count higher than expected for a pathogenic variant. This variant has not been reported in the literature in individuals affected with FLI1-related conditions. ClinVar contains an entry for this variant (Variation ID: 2904754). Invitae Evidence Modeling of protein sequence and biophysical properties (such as structural, functional, and spatial information, amino acid conservation, physicochemical variation, residue mobility, and thermodynamic stability) indicates that this missense variant is not expected to disrupt FLI1 protein function with a negative predictive value of 80%. In summary, the available evidence is currently insufficient to determine the role of this variant in disease. Therefore, it has been classified as a Variant of Uncertain Significance.

Ambry Genetics
Classification: Uncertain significance for Inborn genetic diseases. Last evaluated: 2023-12-13. Review status: criteria provided, single submitter. Criteria: Ambry Variant Classification Scheme 2023. Collection method: clinical testing. Allele origin: germline.

NM_002017.5(FLI1):c.532G>A (p.Ala178Thr)

Gene: FLI1 (Fli-1 proto-oncogene, ETS transcription factor; plus strand). Cytogenetic location: 11q24.3.
Variant type: single nucleotide variant.
Coding change: c.532G>A on transcript NM_002017.5 (MANE Select); coding-DNA position 532, G replaced by A.
Protein change: p.Ala178Thr; replaces alanine 178 with threonine.
Molecular consequence: missense variant. On other transcripts: intron variant (1).
Genome position (GRCh38, 1-based): chr11:128,772,928, G>A. VCF-style: chr11-128772928-G-A. GRCh37 (hg19) VCF-style: chr11-128642823-G-A.
Other names: c.532G>A (NM_002017.3); c.433G>A, p.Ala145Thr (NM_001167681.3); c.334G>A, p.Ala112Thr (NM_001271010.2); c.11-9030G>A (NM_001271012.2); short protein forms A112T, A145T, A178T.
Identifiers: ClinVar variation 2904754 (VCV002904754.4), dbSNP rs372454174, ClinGen allele CA6357147.